The following is an entry in ClinVar:

ClinVar aggregate classification (germline): Uncertain significance (1 of 4 stars; one submission).

Submission:

GeneDx
Classification: Uncertain significance. Last evaluated: 2024-03-04. Review status: criteria provided, single submitter. Criteria: GeneDx Variant Classification Process June 2021. Collection method: clinical testing. Allele origin: germline. Affected: yes.
Comment: Not observed at significant frequency in large population cohorts (gnomAD); In silico analysis supports that this missense variant has a deleterious effect on protein structure/function; Has not been previously published as pathogenic or benign to our knowledge

NM_001197104.2(KMT2A):c.8957C>T (p.Pro2986Leu)

Gene: KMT2A (lysine methyltransferase 2A; plus strand). Cytogenetic location: 11q23.3.
Variant type: single nucleotide variant.
Coding change: c.8957C>T on transcript NM_001197104.2 (MANE Select); coding-DNA position 8957, C replaced by T.
Protein change: p.Pro2986Leu; replaces proline 2986 with leucine.
Molecular consequence: missense variant.
Genome position (GRCh38, 1-based): chr11:118,504,849, C>T. VCF-style: chr11-118504849-C-T. GRCh37 (hg19) VCF-style: chr11-118375564-C-T.
Other names: c.9047C>T, p.Pro3016Leu (NM_001412597.1); c.8948C>T, p.Pro2983Leu (NM_005933.4); short protein forms P2983L, P2986L, P3016L.
Identifiers: ClinVar variation 3369782 (VCV003369782.1).